The following is an entry in ClinVar:

NM_000138.5(FBN1):c.902G>T (p.Gly301Val)

Gene: FBN1 (fibrillin 1; minus strand). Cytogenetic location: 15q21.1.
Variant type: single nucleotide variant.
Coding change: c.902G>T on transcript NM_000138.5 (MANE Select); coding-DNA position 902, G replaced by T.
Protein change: p.Gly301Val; replaces glycine 301 with valine.
Molecular consequence: missense variant.
Genome position (GRCh38, 1-based): chr15:48,526,216, C>A on the plus strand (G>T on the coding strand, the complement: FBN1 is on the minus strand). VCF-style: chr15-48526216-C-A. GRCh37 (hg19) VCF-style: chr15-48818413-C-A.
Other names: p.G301V:GGG>GTG; short protein forms G301V.
Identifiers: ClinVar variation 199960 (VCV000199960.84), dbSNP rs142888621, ClinGen allele CA017847.

ClinVar aggregate classification (germline): Conflicting classifications of pathogenicity. Review status: criteria provided, conflicting classifications (1 of 4 stars). 21 submissions from 15 submitters: Uncertain significance (4); Benign (4); Likely benign (12). 1 of the submissions does not count toward it. Last evaluated 2026-08-01.

Conditions:
Marfan syndrome (MFS). Also called: MARFAN SYNDROME, TYPE I; FBN1-Related Marfan Syndrome; Marfan syndrome type 1; Marfan's syndrome; Marfan syndrome, classic. Identifiers: Orphanet 284963, Orphanet 558, MedGen C0024796, MONDO:0007947, OMIM 154700.
Ectopia lentis 1, isolated, autosomal dominant (ECTOL1). Identifiers: Orphanet 1885, MedGen C3541518, MONDO:0007514, OMIM 129600.
Geleophysic dysplasia 2 (GPHYSD2). Identifiers: Orphanet 2623, MedGen C3280054, MONDO:0013612, OMIM 614185.
Progeroid and marfanoid aspect-lipodystrophy syndrome. Also called: MARFANOID-PROGEROID SYNDROME; MARFAN-PROGEROID-LIPODYSTROPHY SYNDROME; Marfan lipodystrophy syndrome; MARFANOID-PROGEROID-LIPODYSTROPHY SYNDROME. Identifiers: Orphanet 300382, MedGen C4310796, MONDO:0014831, OMIM 616914.
Acromicric dysplasia (ACMICD). Also called: Acromicric skeletal dysplasia. Identifiers: Orphanet 969, MedGen C0265287, MONDO:0007055, OMIM 102370.
Stiff skin syndrome (SSKS). Identifiers: Orphanet 2833, MedGen C1861456, MONDO:0008492, OMIM 184900.
Weill-Marchesani syndrome 2, dominant. Also called: Weill-Marchesani Syndrome, Autosomal Dominant; FBN1-Related Weill-Marchesani Syndrome. Identifiers: Orphanet 2084, MedGen C1869115, MONDO:0012013, OMIM 608328.
MASS syndrome (OCTD). Also called: MASS PHENOTYPE; OVERLAP CONNECTIVE TISSUE DISEASE. Identifiers: MedGen C1858556, MONDO:0011431, OMIM 604308.
Familial thoracic aortic aneurysm and aortic dissection (TAAD). Also called: Thoracic aortic aneurysms and dissections. Identifiers: Orphanet 91387, MedGen C4707243, MONDO:0019625.
Geleophysic dysplasia. Identifiers: Orphanet 2623, MedGen C3489726, MONDO:0000127.
Weill-Marchesani syndrome. Also called: WM Syndrome; Mesodermal dysmorphodystrophy congenital. Identifiers: Orphanet 3449, MedGen C0265313, MONDO:0018096.

Allele frequency attached by ClinVar (database versions not stated): ESP Exome Variant Server 0.00008; TOPMed 0.00015; 1000 Genomes Project 30x 0.00016; ExAC 0.00016; gnomAD 0.00018; gnomAD exomes 0.00019; 1000 Genomes Project 0.00020.
gnomAD v4.1: 406 of 1,614,020 alleles (0.025%); highest among the groups gnomAD compares: Middle Eastern, 0.033%; no homozygotes.

Submissions 1 to 15 of 21:

CeGaT Center for Human Genetics Tuebingen
Classification: Likely benign. Last evaluated: 2026-08-01. Review status: criteria provided, single submitter. Criteria: CeGaT Center For Human Genetics Tuebingen Variant Classification Criteria Version 2. Collection method: clinical testing. Allele origin: germline. Affected: yes. Observed: 2 variant alleles.
Comment: FBN1: BS2

Labcorp Genetics (formerly Invitae), Labcorp
Classification: Likely benign for Marfan syndrome; Familial thoracic aortic aneurysm and aortic dissection. Last evaluated: 2026-01-30. Review status: criteria provided, single submitter. Criteria: Invitae Variant Classification Sherloc (09022015). Collection method: clinical testing. Allele origin: germline.

Women's Health and Genetics/Laboratory Corporation of America, LabCorp
Classification: Likely benign. Last evaluated: 2024-12-27. Review status: criteria provided, single submitter. Criteria: LabCorp Variant Classification Summary - May 2015. Collection method: clinical testing. Allele origin: germline.
Comment: Variant summary: FBN1 c.902G>T (p.Gly301Val) results in a non-conservative amino acid change located in the EGF-like repeat domain (IPR000742) of the encoded protein sequence. Three of five in-silico tools predict a benign effect of the variant on protein function. The variant allele was found at a frequency of 0.00019 in 251426 control chromosomes, predominantly at a frequency of 0.00037 within the Non-Finnish European subpopulation in the gnomAD database. The observed variant frequency within Non-Finnish European control individuals in the gnomAD database is approximately 3- fold of the estimated maximal expected allele frequency for a pathogenic variant in FBN1 causing Marfan Syndrome phenotype (0.00011). c.902G>T has been reported in the literature in individuals affected with symptoms belonging to the Marfan Syndrome phenotype spectrum (e.g. vascular anomalies and ascending aortic aneurysm), however no supporting evidence (e.g. segregation data) for causality was provided (e.g. Mattassi_2018, Franken_2016, Ziganshin_2015). These reports do not provide unequivocal conclusions about association of the variant with Marfan Syndrome. To our knowledge, no experimental evidence demonstrating an impact on protein function has been reported. The following publications have been ascertained in the context of this evaluation (PMID: 25613431, 26787436, 28655553, 26188975). ClinVar contains an entry for this variant (Variation ID: 199960). Based on the evidence outlined above, the variant was classified as likely benign.

Blueprint Genetics
Classification: Likely benign. Last evaluated: 2024-10-24. Review status: criteria provided, single submitter. Criteria: ACMG Guidelines, 2015. Collection method: clinical testing. Allele origin: germline.

ARUP Laboratories, Molecular Genetics and Genomics, ARUP Laboratories
Classification: Likely benign. Last evaluated: 2024-10-21. Review status: criteria provided, single submitter. Criteria: ARUP Molecular Germline Variant Investigation Process 2024. Collection method: clinical testing. Allele origin: germline.

All of Us Research Program, National Institutes of Health
Classification: Likely benign for Marfan syndrome. Last evaluated: 2024-09-23. Review status: criteria provided, single submitter. Criteria: ACMG Guidelines, 2015. Collection method: clinical testing. Allele origin: germline. Inheritance: Autosomal dominant inheritance. Observed: 60 variant alleles, 60 heterozygotes.
Comment: This study involves interpretation of variants in research participants for the purpose of population health screening. Participant phenotype was not available at the time of variant classification. Additional details can be found in publication PMID: 35346344, PMCID: PMC8962531

Ambry Genetics
Classification: Likely benign for Familial thoracic aortic aneurysm and aortic dissection. Last evaluated: 2022-12-28. Review status: criteria provided, single submitter. Criteria: Ambry Variant Classification Scheme 2023. Collection method: clinical testing. Allele origin: germline.

CHEO Genetics Diagnostic Laboratory, Children's Hospital of Eastern Ontario
Classification: Likely benign for Familial thoracic aortic aneurysm and aortic dissection. Last evaluated: 2021-10-28. Review status: criteria provided, single submitter. Criteria: ACMG Guidelines, 2015. Collection method: clinical testing. Allele origin: germline.

GeneDx
Classification: Likely benign. Last evaluated: 2021-09-16. Review status: criteria provided, single submitter. Criteria: GeneDx Variant Classification Process June 2021. Collection method: clinical testing. Allele origin: germline. Affected: yes.
Comment: This variant is associated with the following publications: (PMID: 26188975, 26787436, 28655553, 34426522)

Color Diagnostics, LLC DBA Color Health
Classification: Likely benign for Familial thoracic aortic aneurysm and aortic dissection. Last evaluated: 2020-04-20. Review status: criteria provided, single submitter. Criteria: ACMG Guidelines, 2015. Collection method: clinical testing. Allele origin: germline.

Mayo Clinic Laboratories, Mayo Clinic
Classification: Uncertain significance. Last evaluated: 2019-09-23. Review status: criteria provided, single submitter. Criteria: ACMG Guidelines, 2015. Collection method: clinical testing. Allele origin: germline. Observed: 1 variant allele.

Laboratory for Molecular Medicine, Mass General Brigham Personalized Medicine
Classification: Uncertain significance. Last evaluated: 2019-01-02. Review status: criteria provided, single submitter. Criteria: LMM Criteria. Collection method: clinical testing. Allele origin: germline. Observed: 2 variant alleles.
Comment: Variant classified as Uncertain Significance - Favor Benign. Disclaimer: This variant has not undergone full assessment. The following are preliminary notes: Identified in 2 Marfan probands (PubMed: 26787436). Computational tools predict benign. Identified in 0.04% of European chromosoems in gnomAD.

Illumina Laboratory Services, Illumina
Classification: Benign for Ectopia lentis 1, isolated, autosomal dominant. Last evaluated: 2018-01-13. Review status: criteria provided, single submitter. Criteria: ICSL Variant Classification Criteria 13 December 2019. Collection method: clinical testing. Allele origin: germline.
Comment: This variant was observed in the ICSL laboratory as part of a predisposition screen in an ostensibly healthy population. It had not been previously curated by ICSL or reported in the Human Gene Mutation Database (HGMD: prior to June 1st, 2018), and was therefore a candidate for classification through an automated scoring system. Utilizing variant allele frequency, disease prevalence and penetrance estimates, and inheritance mode, an automated score was calculated to assess if this variant is too frequent to cause the disease. Based on the score and internal cut-off values, a variant classified as benign is not then subjected to further curation. The score for this variant resulted in a classification of benign for this disease.

Illumina Laboratory Services, Illumina
Classification: Benign for Acromicric dysplasia. Last evaluated: 2018-01-13. Review status: criteria provided, single submitter. Criteria: ICSL Variant Classification Criteria 13 December 2019. Collection method: clinical testing. Allele origin: germline.
Comment: the same text as in the submission from Illumina Laboratory Services, Illumina above.

Illumina Laboratory Services, Illumina
Classification: Benign for Geleophysic dysplasia. Last evaluated: 2018-01-13. Review status: criteria provided, single submitter. Criteria: ICSL Variant Classification Criteria 13 December 2019. Collection method: clinical testing. Allele origin: germline.
Comment: the same text as in the submission from Illumina Laboratory Services, Illumina above.